The following is an entry in ClinVar:

ClinVar aggregate classification (germline): Benign/Likely benign. Review status: criteria provided, multiple submitters, no conflicts (2 of 4 stars). 3 submissions from 3 submitters: Benign (1); Likely benign (1). 1 of the submissions does not count toward it. Last evaluated 2026-06-01.

Conditions:
ZFHX3-related disorder. Also called: ZFHX3-related condition.

Allele frequency attached by ClinVar (database versions not stated): ESP Exome Variant Server 0.00041.
gnomAD v4.1: 1,759 of 1,374,080 alleles (0.13%); highest among the groups gnomAD compares: East Asian, 1.1%; 12 homozygotes.

Submissions (3):

CeGaT Center for Human Genetics Tuebingen
Classification: Benign. Last evaluated: 2026-06-01. Review status: criteria provided, single submitter. Criteria: CeGaT Center For Human Genetics Tuebingen Variant Classification Criteria Version 2. Collection method: clinical testing. Allele origin: germline. Affected: yes. Observed: 2 variant alleles.
Comment: ZFHX3: BP4, BP7, BS1, BS2

Blueprint Genetics
Classification: Likely benign. Last evaluated: 2024-10-30. Review status: criteria provided, single submitter. Criteria: ACMG Guidelines, 2015. Collection method: clinical testing. Allele origin: germline.

PreventionGenetics, part of Exact Sciences
Classification: Likely benign for ZFHX3-related condition. Last evaluated: 2019-05-24. Review status: no assertion criteria provided. Collection method: clinical testing. Allele origin: germline. Not counted in ClinVar's aggregate classification.
Comment: This variant is classified as likely benign based on ACMG/AMP sequence variant interpretation guidelines (Richards et al. 2015 PMID: 25741868, with internal and published modifications).

NM_006885.4(ZFHX3):c.10533T>C (p.Gly3511=)

Genes: ZFHX3 (zinc finger homeobox 3; minus strand), ZFHX3-AS1 (ZFHX3 antisense RNA 1; plus strand). Cytogenetic location: 16q22.2.
Variant type: single nucleotide variant.
Coding change: c.10533T>C on transcript NM_006885.4 (MANE Select); coding-DNA position 10533, T replaced by C.
Protein change: p.Gly3511=; no amino-acid change (glycine 3511 retained).
Molecular consequence: synonymous variant.
Genome position (GRCh38, 1-based): chr16:72,787,743, A>G on the plus strand (T>C on the coding strand, the complement: ZFHX3 is on the minus strand). VCF-style: chr16-72787743-A-G. GRCh37 (hg19) VCF-style: chr16-72821642-A-G.
Other names: c.7791T>C, p.Gly2597= (NM_001164766.2); c.10533T>C, p.Gly3511= (NM_001386735.1).
Identifiers: ClinVar variation 3044493 (VCV003044493.10), dbSNP rs367610293, ClinGen allele CA8162464.
Genomic context (GRCh38, chr16:72,787,743, plus strand): 5'-GCAGTGGTACGAGCCGCCGCCGCCGCCGCCGCCGCCACCGCCGCCGCCGCCGCCACTGCC[A>G]CCGCCGCCGCCGCCGGTGGGGACGTGAAGCACCATCTCTTGCAGGTTCACCACAGACTGG-3'
Protein context (NP_008816.3, residues 3501-3521): VLHVPTGGGG[Gly3511=]GSGGGGGGGG